The following is an entry in ClinVar:

ClinVar aggregate classification (germline): Uncertain significance. Review status: criteria provided, multiple submitters, no conflicts (2 of 4 stars). 3 submissions from 3 submitters: Uncertain significance (3). Last evaluated 2025-06-18.

Allele frequency attached by ClinVar (database versions not stated): gnomAD 0.00001; TOPMed 0.00001; ExAC 0.00002; ESP Exome Variant Server 0.00008.
gnomAD v4.1: 88 of 1,613,958 alleles (0.0055%); highest among the groups gnomAD compares: Non-Finnish European, 0.0069%; no homozygotes.

Submissions (3):

Labcorp Genetics (formerly Invitae), Labcorp
Classification: Uncertain significance. Last evaluated: 2025-06-18. Review status: criteria provided, single submitter. Criteria: Invitae Variant Classification Sherloc (09022015). Collection method: clinical testing. Allele origin: germline.
Comment: This sequence change replaces aspartic acid, which is acidic and polar, with asparagine, which is neutral and polar, at codon 193 of the RNF31 protein (p.Asp193Asn). This variant is present in population databases (rs375201462, gnomAD 0.004%). This variant has not been reported in the literature in individuals affected with RNF31-related conditions. ClinVar contains an entry for this variant (Variation ID: 2316049). An algorithm developed to predict the effect of missense changes on protein structure and function (PolyPhen-2) suggests that this variant is likely to be tolerated. In summary, the available evidence is currently insufficient to determine the role of this variant in disease. Therefore, it has been classified as a Variant of Uncertain Significance.

Ambry Genetics
Classification: Uncertain significance. Last evaluated: 2022-10-04. Review status: criteria provided, single submitter. Criteria: Ambry Variant Classification Scheme 2023. Collection method: clinical testing. Allele origin: germline.

Blueprint Genetics
Classification: Uncertain significance. Last evaluated: 2018-04-27. Review status: criteria provided, single submitter. Criteria: ACMG Guidelines, 2015. Collection method: clinical testing. Allele origin: germline.

NM_017999.5(RNF31):c.577G>A (p.Asp193Asn)

Gene: RNF31 (ring finger protein 31; plus strand). Cytogenetic location: 14q12.
Variant type: single nucleotide variant.
Coding change: c.577G>A on transcript NM_017999.5 (MANE Select); coding-DNA position 577, G replaced by A.
Protein change: p.Asp193Asn; replaces aspartic acid 193 with asparagine.
Molecular consequence: missense variant.
Genome position (GRCh38, 1-based): chr14:24,148,822, G>A. VCF-style: chr14-24148822-G-A. GRCh37 (hg19) VCF-style: chr14-24618031-G-A.
Other names: c.124G>A, p.Asp42Asn (NM_001310332.2); short protein forms D193N, D42N.
Identifiers: ClinVar variation 2316049 (VCV002316049.5), dbSNP rs375201462, ClinGen allele CA7125563.